The following is an entry in ClinVar:

ClinVar aggregate classification (germline): Conflicting classifications of pathogenicity. Review status: criteria provided, conflicting classifications (1 of 4 stars). 2 submissions from 2 submitters: Uncertain significance (1); Likely benign (1). Last evaluated 2022-01-15.

Conditions:
Inborn genetic diseases. Identifiers: MedGen C0950123, MeSH D030342.

Allele frequency attached by ClinVar (database versions not stated): ExAC 0.00003; gnomAD exomes 0.00005 and 0.00007; gnomAD 0.00008; TOPMed 0.00008; 1000 Genomes Project 30x 0.00016; 1000 Genomes Project 0.00020.
gnomAD v4.1: 111 of 1,611,828 alleles (0.0069%); highest among the groups gnomAD compares: African/African-American, 0.024%; 1 homozygote.

Submissions (2):

Labcorp Genetics (formerly Invitae), Labcorp
Classification: Uncertain significance. Last evaluated: 2022-01-15. Review status: criteria provided, single submitter. Criteria: Invitae Variant Classification Sherloc (09022015). Collection method: clinical testing. Allele origin: germline.
Comment: This sequence change replaces alanine, which is neutral and non-polar, with valine, which is neutral and non-polar, at codon 163 of the DGAT1 protein (p.Ala163Val). This variant is present in population databases (rs563377054, gnomAD 0.008%). This variant has not been reported in the literature in individuals affected with DGAT1-related conditions. Algorithms developed to predict the effect of missense changes on protein structure and function output the following: SIFT: "Tolerated"; PolyPhen-2: "Benign"; Align-GVGD: "Class C0". The valine amino acid residue is found in multiple mammalian species, which suggests that this missense change does not adversely affect protein function. Algorithms developed to predict the effect of sequence changes on RNA splicing suggest that this variant may create or strengthen a splice site. In summary, the available evidence is currently insufficient to determine the role of this variant in disease. Therefore, it has been classified as a Variant of Uncertain Significance.

Ambry Genetics
Classification: Likely benign for Inborn genetic diseases. Last evaluated: 2021-07-27. Review status: criteria provided, single submitter. Criteria: Ambry Variant Classification Scheme 2023. Collection method: clinical testing. Allele origin: germline.

NM_012079.6(DGAT1):c.488C>T (p.Ala163Val)

Gene: DGAT1 (diacylglycerol O-acyltransferase 1; minus strand). Cytogenetic location: 8q24.3.
Variant type: single nucleotide variant.
Coding change: c.488C>T on transcript NM_012079.6 (MANE Select); coding-DNA position 488, C replaced by T.
Protein change: p.Ala163Val; replaces alanine 163 with valine.
Molecular consequence: missense variant.
Genome position (GRCh38, 1-based): chr8:144,318,547, G>A on the plus strand (C>T on the coding strand, the complement: DGAT1 is on the minus strand). VCF-style: chr8-144318547-G-A. GRCh37 (hg19) VCF-style: chr8-145542210-G-A.
Other names: c.488C>T (NM_012079.4); short protein forms A163V.
Identifiers: ClinVar variation 1426869 (VCV001426869.6), dbSNP rs563377054, ClinGen allele CA4937012.